The following is an entry in ClinVar:

ClinVar aggregate classification (germline): Benign. Review status: criteria provided, multiple submitters, no conflicts (2 of 4 stars). 7 submissions from 7 submitters: Benign (7). Last evaluated 2026-02-04.

Conditions:
Immunodeficiency 35 (IMD35). Also called: Susceptibility to infection due to TYK2 deficiency; TYK2 DEFICIENCY; HIES WITH ATYPICAL MYCOBACTERIOSIS, AUTOSOMAL RECESSIVE; HYPER-IgE SYNDROME WITH ATYPICAL MYCOBACTERIOSIS, AUTOSOMAL RECESSIVE. Identifiers: Orphanet 331226, MedGen C1969086, MONDO:0012682, OMIM 611521.

Allele frequency attached by ClinVar (database versions not stated): gnomAD 0.11734 and 0.11737; gnomAD exomes 0.11899 and 0.13926; 1000 Genomes Project 0.09645; 1000 Genomes Project 30x 0.09744; TOPMed 0.11252; ExAC 0.12195; ESP Exome Variant Server 0.12312.
gnomAD v4.1: 221,030 of 1,613,420 alleles (14%); highest among the groups gnomAD compares: South Asian, 15%; 16,071 homozygotes.

Submissions (7):

Labcorp Genetics (formerly Invitae), Labcorp
Classification: Benign for Immunodeficiency 35. Last evaluated: 2026-02-04. Review status: criteria provided, single submitter. Criteria: Invitae Variant Classification Sherloc (09022015). Collection method: clinical testing. Allele origin: germline.

Unidad de Genómica Garrahan, Hospital de Pediatría Garrahan
Classification: Benign. Last evaluated: 2024-01-24. Review status: criteria provided, single submitter. Criteria: ACMG Guidelines, 2015. Collection method: clinical testing. Allele origin: germline. Affected: no. Observed: 19 variant alleles.
Comment: This variant is classified as Benign based on local population frequency. This variant was detected in 20% of patients studied by a panel of primary immunodeficiencies. Number of patients: 19. Only high quality variants are reported.

Genome-Nilou Lab
Classification: Benign for Immunodeficiency 35. Last evaluated: 2021-12-05. Review status: criteria provided, single submitter. Criteria: ACMG Guidelines, 2015. Collection method: clinical testing. Allele origin: germline. Affected: no.

Illumina Laboratory Services, Illumina
Classification: Benign for Immunodeficiency 35. Last evaluated: 2018-01-12. Review status: criteria provided, single submitter. Criteria: ICSL Variant Classification Criteria 13 December 2019. Collection method: clinical testing. Allele origin: germline.
Comment: This variant was observed in the ICSL laboratory as part of a predisposition screen in an ostensibly healthy population. It had not been previously curated by ICSL or reported in the Human Gene Mutation Database (HGMD: prior to June 1st, 2018), and was therefore a candidate for classification through an automated scoring system. Utilizing variant allele frequency, disease prevalence and penetrance estimates, and inheritance mode, an automated score was calculated to assess if this variant is too frequent to cause the disease. Based on the score and internal cut-off values, a variant classified as benign is not then subjected to further curation. The score for this variant resulted in a classification of benign for this disease.

GeneDx
Classification: Benign. Last evaluated: 2013-09-27. Review status: criteria provided, single submitter. Criteria: GeneDx Variant Classification (06012015). Collection method: clinical testing. Allele origin: germline. Affected: yes.
Comment: This variant is considered likely benign or benign based on one or more of the following criteria: it is a conservative change, it occurs at a poorly conserved position in the protein, it is predicted to be benign by multiple in silico algorithms, and/or has population frequency not consistent with disease.

Breakthrough Genomics
Classification: Benign. Review status: criteria provided, single submitter. Criteria: ACMG Guidelines, 2015. Collection method: not provided. Allele origin: germline. Inheritance: Autosomal recessive inheritance. Affected: yes.

PreventionGenetics, part of Exact Sciences
Classification: Benign. Review status: criteria provided, single submitter. Criteria: ACMG Guidelines, 2015. Collection method: clinical testing. Allele origin: germline.

NM_003331.5(TYK2):c.2311+11G>C

Gene: TYK2 (tyrosine kinase 2; minus strand). Cytogenetic location: 19p13.2.
Variant type: single nucleotide variant.
Coding change: c.2311+11G>C on transcript NM_003331.5 (MANE Select); 11 bases into the intron after coding-DNA position 2311, G replaced by C.
Molecular consequence: intron variant.
Genome position (GRCh38, 1-based): chr19:10,357,992, C>G on the plus strand (G>C on the coding strand, the complement: TYK2 is on the minus strand). VCF-style: chr19-10357992-C-G. GRCh37 (hg19) VCF-style: chr19-10468668-C-G.
Other names: c.2311+11G>C (LRG_121t1).
Identifiers: ClinVar variation 137868 (VCV000137868.18), dbSNP rs12720299, ClinGen allele CA291553.